The following is an entry in ClinVar:

NM_212482.4(FN1):c.685+1G>A

Gene: FN1 (fibronectin 1; minus strand). Cytogenetic location: 2q35.
Variant type: single nucleotide variant.
Coding change: c.685+1G>A on transcript NM_212482.4 (MANE Select); the canonical splice donor site of the intron after coding-DNA position 685, G replaced by A.
Molecular consequence: splice donor variant.
Genome position (GRCh38, 1-based): chr2:215,430,714, C>T on the plus strand (G>A on the coding strand, the complement: FN1 is on the minus strand). VCF-style: chr2-215430714-C-T. GRCh37 (hg19) VCF-style: chr2-216295437-C-T.
Other names: c.685+1G>A (NM_001365522.2, NM_001365519.2, NM_001365521.2 and 14 more transcripts).
Identifiers: ClinVar variation 2865864 (VCV002865864.3), dbSNP rs113683179, ClinGen allele CA64835875.
Genomic context (GRCh38, chr2:215,430,714, plus strand): 5'-TCTCTAGGAATCCAGAAAACAATACCTGGCTTAATCTTTAACATAAAGATGTAAAACATA[C>T]TTCTAGAAGTGCAAGTGATGCGTCCGCTGCCTTCTCCCAGGCAAGTACAATCTACCATCA-3'

ClinVar aggregate classification (germline): Pathogenic (1 of 4 stars; one submission).

Submission:

Labcorp Genetics (formerly Invitae), Labcorp
Classification: Pathogenic. Last evaluated: 2025-02-11. Review status: criteria provided, single submitter. Criteria: Invitae Variant Classification Sherloc (09022015). Collection method: clinical testing. Allele origin: germline.
Comment: This sequence change affects a donor splice site in intron 5 of the FN1 gene. It is expected to disrupt RNA splicing. Variants that disrupt the donor or acceptor splice site typically lead to a loss of protein function (PMID: 16199547), however the current clinical and genetic evidence is not sufficient to establish whether loss-of-function variants in FN1 cause disease. This variant is not present in population databases (gnomAD no frequency). Disruption of this splice site has been observed in individual(s) with clinical features of spondylometaphyseal dysplasia (internal data). In at least one individual the variant was observed to be de novo. ClinVar contains an entry for this variant (Variation ID: 2865864). Algorithms developed to predict the effect of sequence changes on RNA splicing suggest that this variant may disrupt the consensus splice site. For these reasons, this variant has been classified as Pathogenic.

Literature cited by the submitters: PubMed 16199547.